The following is an entry in ClinVar:

NM_002095.6(GTF2E2):c.272G>A (p.Arg91Gln)

Gene: GTF2E2 (general transcription factor IIE subunit 2; minus strand). Cytogenetic location: 8p12.
Variant type: single nucleotide variant.
Coding change: c.272G>A on transcript NM_002095.6 (MANE Select); coding-DNA position 272, G replaced by A.
Protein change: p.Arg91Gln; replaces arginine 91 with glutamine.
Molecular consequence: missense variant.
Genome position (GRCh38, 1-based): chr8:30,614,702, C>T on the plus strand (G>A on the coding strand, the complement: GTF2E2 is on the minus strand). VCF-style: chr8-30614702-C-T. GRCh37 (hg19) VCF-style: chr8-30472219-C-T.
Other names: c.272G>A, p.Arg91Gln (NM_001348353.1); short protein forms R91Q.
Identifiers: ClinVar variation 1037194 (VCV001037194.5), dbSNP rs1024658169, ClinGen allele CA174448103.

ClinVar aggregate classification (germline): Uncertain significance (1 of 4 stars; one submission).

Allele frequency attached by ClinVar (database versions not stated): gnomAD 0.00001; gnomAD exomes 0.00001 and 0.00002; TOPMed 0.00002.
gnomAD v4.1: 25 of 1,594,476 alleles (0.0016%); highest among the groups gnomAD compares: Non-Finnish European, 0.002%; no homozygotes.

Submission:

Labcorp Genetics (formerly Invitae), Labcorp
Classification: Uncertain significance. Last evaluated: 2020-10-15. Review status: criteria provided, single submitter. Criteria: Invitae Variant Classification Sherloc (09022015). Collection method: clinical testing. Allele origin: germline.
Comment: This variant has not been reported in the literature in individuals with GTF2E2-related conditions. This variant is not present in population databases (ExAC no frequency). This sequence change replaces arginine with glutamine at codon 91 of the GTF2E2 protein (p.Arg91Gln). The arginine residue is moderately conserved and there is a small physicochemical difference between arginine and glutamine. Algorithms developed to predict the effect of missense changes on protein structure and function output the following: SIFT: "Tolerated"; PolyPhen-2: "Benign"; Align-GVGD: "Class C0". The glutamine amino acid residue is found in multiple mammalian species, suggesting that this missense change does not adversely affect protein function. These predictions have not been confirmed by published functional studies and their clinical significance is uncertain. In summary, the available evidence is currently insufficient to determine the role of this variant in disease. Therefore, it has been classified as a Variant of Uncertain Significance.